The following is an entry in ClinVar:

NM_002547.3(OPHN1):c.2380C>T (p.Gln794Ter)

Gene: OPHN1 (oligophrenin 1; minus strand). Cytogenetic location: Xq12.
Variant type: single nucleotide variant.
Coding change: c.2380C>T on transcript NM_002547.3 (MANE Select); coding-DNA position 2380, C replaced by T.
Protein change: p.Gln794Ter; replaces glutamine 794 with a stop codon.
Molecular consequence: nonsense.
Genome position (GRCh38, 1-based): chrX:68,048,453, G>A on the plus strand (C>T on the coding strand, the complement: OPHN1 is on the minus strand). VCF-style: chrX-68048453-G-A. GRCh37 (hg19) VCF-style: chrX-67268295-G-A.
Other names: short protein forms Q794*.
Identifiers: ClinVar variation 1310147 (VCV001310147.2), dbSNP rs2147343766, ClinGen allele CA413429612.

ClinVar aggregate classification (germline): Uncertain significance (1 of 4 stars; one submission).

Submission:

GeneDx
Classification: Uncertain significance. Last evaluated: 2019-11-15. Review status: criteria provided, single submitter. Criteria: GeneDx Variant Classification Process June 2021. Collection method: clinical testing. Allele origin: germline. Affected: yes.
Comment: Not observed in large population cohorts (Lek et al., 2016); Nonsense variant predicted to result in protein truncation as the last 9 amino acids are lost, although loss-of-function variants have not been reported downstream of this position in the protein; Has not been previously published as pathogenic or benign to our knowledge